The following is an entry in ClinVar:

NM_000179.3(MSH6):c.458-2A>T

Gene: MSH6 (mutS homolog 6; plus strand). Cytogenetic location: 2p16.3.
Variant type: single nucleotide variant.
Coding change: c.458-2A>T on transcript NM_000179.3 (MANE Select); the canonical splice acceptor site of the intron before coding-DNA position 458, A replaced by T.
Molecular consequence: splice acceptor variant. On other transcripts: 5 prime UTR variant (1), intron variant (8).
Genome position (GRCh38, 1-based): chr2:47,795,892, A>T. VCF-style: chr2-47795892-A-T. GRCh37 (hg19) VCF-style: chr2-48023031-A-T.
Other names: c.-70A>T (NM_001406807.1); c.458-2A>T (NM_001406809.1, NM_001406796.1, NM_001406808.1 and 5 more transcripts); c.-279-2719A>T (NM_001406811.1, NM_001281493.2, NM_001406812.1 and 4 more transcripts); c.161-2A>T (NM_001406805.1, NM_001406797.1, NM_001406801.1 and 10 more transcripts); c.554-2A>T (NM_001406795.1, NM_001406802.1); c.464-2A>T (NM_001406813.1); c.-537-2A>T (NM_001406814.1); c.-68-2A>T (NM_001406799.1, NM_001406806.1); and 4 more.
Identifiers: ClinVar variation 3230581 (VCV003230581.1), dbSNP rs2104227716, ClinGen allele CA346738552.
Genomic context (GRCh38, chr2:47,795,892, plus strand): 5'-GGGATTACAGGCGTGAGCCTCTGCACCCGGCCCTTATTGTTTATAAATACATTTCTTTCT[A>T]GGTTCAAAATCAAAGGAAGCCCAGAAGGGAGGTCATTTTTACAGTGCAAAGCCTGAAATA-3'

ClinVar aggregate classification (germline): Likely pathogenic (1 of 4 stars; one submission).

Conditions:
Hereditary cancer-predisposing syndrome. Also called: Neoplastic Syndromes, Hereditary; Tumor predisposition; Hereditary neoplastic syndrome; Hereditary Cancer Syndrome. Identifiers: Orphanet 140162, MedGen C0027672, MeSH D009386, MONDO:0015356.

Submission:

Ambry Genetics
Classification: Likely pathogenic for Hereditary cancer-predisposing syndrome. Last evaluated: 2024-01-29. Review status: criteria provided, single submitter. Criteria: Ambry Variant Classification Scheme 2023. Collection method: clinical testing. Allele origin: germline.
Comment: The c.458-2A>T intronic variant results from an A to T substitution two nucleotides upstream from coding exon 3 in the MSH6 gene. This variant is considered to be rare based on population cohorts in the Genome Aggregation Database (gnomAD). This nucleotide position is highly conserved in available vertebrate species. In silico splice site analysis predicts that this alteration will weaken the native splice acceptor site and will result in the creation or strengthening of a novel splice acceptor site; however, direct evidence is insufficient at this time (Ambry internal data). Alterations that disrupt the canonical splice site are expected to cause aberrant splicing, resulting in an abnormal protein or a transcript that is subject to nonsense-mediated mRNA decay. As such, this alteration is classified as likely pathogenic.